The following is an entry in ClinVar:

ClinVar aggregate classification (germline): Benign/Likely benign. Review status: criteria provided, multiple submitters, no conflicts (2 of 4 stars). 8 submissions from 8 submitters: Benign (7); Likely benign (1). Last evaluated 2026-03-27.

Conditions:
Cardiovascular phenotype. Identifiers: MedGen CN230736.
Long QT syndrome (LQTS). Identifiers: MedGen C0023976, MeSH D008133, MONDO:0002442. Disease mechanism: loss of function. Inheritance: Various modes of inheritance.

Allele frequency attached by ClinVar (database versions not stated): 1000 Genomes Project 0.02376; 1000 Genomes Project 30x 0.02498; TOPMed 0.03943; gnomAD 0.04460 and 0.04572; gnomAD exomes 0.04767 and 0.05964; ExAC 0.04888; ESP Exome Variant Server 0.04939.
gnomAD v4.1: 93,548 of 1,613,286 alleles (5.8%); highest among the groups gnomAD compares: Non-Finnish European, 6.7%; 3,153 homozygotes.

Submissions (8):

Molecular Diagnostic Laboratory for Inherited Cardiovascular Disease, Montreal Heart Institute
Classification: Benign. Last evaluated: 2026-03-27. Review status: criteria provided, single submitter. Criteria: ACMG Guidelines, 2015. Collection method: clinical testing. Allele origin: germline. Affected: no.

Labcorp Genetics (formerly Invitae), Labcorp
Classification: Benign for Long QT syndrome. Last evaluated: 2026-02-04. Review status: criteria provided, single submitter. Criteria: Invitae Variant Classification Sherloc (09022015). Collection method: clinical testing. Allele origin: germline.

Blueprint Genetics
Classification: Likely benign. Last evaluated: 2024-11-27. Review status: criteria provided, single submitter. Criteria: ACMG Guidelines, 2015. Collection method: clinical testing. Allele origin: germline.

Ambry Genetics
Classification: Benign for Cardiovascular phenotype. Last evaluated: 2015-06-26. Review status: criteria provided, single submitter. Criteria: Ambry Variant Classification Scheme 2023. Collection method: clinical testing. Allele origin: germline.

Mayo Clinic Laboratories, Mayo Clinic
Classification: Benign. Last evaluated: 2015-04-28. Review status: criteria provided, single submitter. Criteria: ACMG Guidelines, 2015. Collection method: clinical testing. Allele origin: germline. Observed: 107 variant alleles.

GeneDx
Classification: Benign. Last evaluated: 2011-07-10. Review status: criteria provided, single submitter. Criteria: GeneDx Variant Classification (06012015). Collection method: clinical testing. Allele origin: germline. Affected: yes.
Comment: This variant is considered likely benign or benign based on one or more of the following criteria: it is a conservative change, it occurs at a poorly conserved position in the protein, it is predicted to be benign by multiple in silico algorithms, and/or has population frequency not consistent with disease.

Breakthrough Genomics
Classification: Benign. Review status: criteria provided, single submitter. Criteria: ACMG Guidelines, 2015. Collection method: not provided. Allele origin: germline. Inheritance: Autosomal dominant inheritance. Affected: yes.

PreventionGenetics, part of Exact Sciences
Classification: Benign. Review status: criteria provided, single submitter. Criteria: ACMG Guidelines, 2015. Collection method: clinical testing. Allele origin: germline.

NM_000719.7(CACNA1C):c.4038C>T (p.Ile1346=)

Gene: CACNA1C (calcium voltage-gated channel subunit alpha1 C; plus strand). Cytogenetic location: 12p13.33.
Variant type: single nucleotide variant.
Coding change: c.4038C>T on transcript NM_000719.7 (MANE Select); coding-DNA position 4038, C replaced by T.
Protein change: p.Ile1346=; no amino-acid change (isoleucine 1346 retained).
Molecular consequence: synonymous variant.
Genome position (GRCh38, 1-based): chr12:2,651,732, C>T. VCF-style: chr12-2651732-C-T. GRCh37 (hg19) VCF-style: chr12-2760898-C-T.
Other names: p.I1346I:ATC>ATT; p.Ile1346=; c.4182C>T, p.Ile1394= (NM_001129827.2, NM_199460.4); c.4104C>T, p.Ile1368= (NM_001129829.2); c.4038C>T, p.Ile1346= (NM_001129830.3, NM_001129833.2, NM_001129834.2 and 7 more transcripts); c.4122C>T, p.Ile1374= (NM_001129831.2); c.4098C>T, p.Ile1366= (NM_001129832.2); c.4089C>T, p.Ile1363= (NM_001129836.2); and 3 more.
Identifiers: ClinVar variation 136623 (VCV000136623.23), dbSNP rs56180838, ClinGen allele CA289849.
Genomic context (GRCh38, chr12:2,651,732, plus strand): 5'-CTTCTTCCGCCTGTTCCGGGTCATGCGTCTGGTGAAGCTGCTGAGCCGTGGGGAGGGCAT[C>T]CGGACGCTGCTGTGGACCTTCATCAAGTCCTTCCAGGTAGCCGCCCCTCATGTCCTGCGG-3'
Protein context (NP_000710.5, residues 1336-1356): LVKLLSRGEG[Ile1346=]RTLLWTFIKS